The following is an entry in ClinVar:

NM_004393.6(DAG1):c.1108_1160del (p.Ile370fs)

Gene: DAG1 (dystroglycan 1; plus strand). Cytogenetic location: 3p21.31.
Variant type: Deletion.
Coding change: c.1108_1160del on transcript NM_004393.6 (MANE Select); coding-DNA positions 1108 to 1160, 53 bases deleted.
Protein change: p.Ile370fs; shifts the reading frame from isoleucine 370.
Molecular consequence: frameshift variant.
Genome position (GRCh38, 1-based): chr3:49,531,619-49,531,671, 53 bases deleted. GRCh37 (hg19): chr3:49,569,052-49,569,104.
Other names: c.1108_1160del, p.Ile370fs (NM_001165928.4, NM_001177634.3, NM_001177635.3 and 18 more transcripts); short protein forms I370fs.
Identifiers: ClinVar variation 5019416 (VCV005019416.2).

ClinVar aggregate classification (germline): Uncertain significance (1 of 4 stars; one submission).

Conditions:
Autosomal recessive limb-girdle muscular dystrophy type 2P. Also called: MUSCULAR DYSTROPHY-DYSTROGLYCANOPATHY, LIMB-GIRDLE, DAG1-RELATED; Limb-Girdle Muscular Dystrophy Type 9C; MUSCULAR DYSTROPHY, LIMB-GIRDLE, TYPE 2P. Identifiers: Orphanet 280333, MedGen C4511963, MONDO:0013440, OMIM 613818.
Muscular dystrophy-dystroglycanopathy (congenital with brain and eye anomalies), type A9. Also called: Muscular dystrophy-dystroglycanopathy (congenital with brain and eye anomalies), type a, 9; WALKER-WARBURG SYNDROME OR MUSCLE-EYE BRAIN DISEASE, DAG1-RELATED. Identifiers: Orphanet 370997, Orphanet 899, MedGen C4225291, MONDO:0014683, OMIM 616538.

Submission:

Juno Genomics, Hangzhou Juno Genomics, Inc
Classification: Uncertain significance for Muscular dystrophy-dystroglycanopathy (congenital with brain and eye anomalies), type A9; Autosomal recessive limb-girdle muscular dystrophy type 2P. Review status: criteria provided, single submitter. Criteria: ACMG Guidelines, 2015. Collection method: clinical testing. Allele origin: germline.
Comment: Absent from controls (or at extremely low frequency if recessive) in Genome Aggregation Database.;Null variant in a gene where loss of function (LOF) is a known mechanism of disease.